The following is an entry in ClinVar:

NM_017763.6(RNF43):c.1436_1437del (p.Val479fs)

Gene: RNF43 (ring finger protein 43; minus strand). Cytogenetic location: 17q22.
Variant type: Microsatellite.
Coding change: c.1436_1437del on transcript NM_017763.6 (MANE Select); coding-DNA positions 1436 to 1437, 2 bases deleted (TG; older notation c.1436_1437delTG).
Protein change: p.Val479fs; shifts the reading frame from valine 479.
Molecular consequence: frameshift variant.
Genome position (GRCh38, 1-based): chr17:58,358,339-58,358,340, CA deleted on the plus strand (TG on the coding strand, the reverse complement: RNF43 is on the minus strand); deleting any 2 consecutive bases within chr17:58,358,339-58,358,342 gives the same sequence; the c. name uses the placement nearest the transcript's 3' end. VCF-style (leftmost placement, unchanged base first): chr17-58358338-CCA-C. GRCh37 (hg19) VCF-style: chr17-56435699-CCA-C.
Other names: c.1436_1437del, p.Val479fs (NM_001305544.3, NM_001438820.1, NM_001438821.1 and 1 more transcripts); c.1055_1056del, p.Val352fs (NM_001305545.2, NM_001437987.1); short protein forms V479fs, V352fs.
Identifiers: ClinVar variation 4578943 (VCV004578943.2).
Genomic context (GRCh38, chr17:58,358,338, plus strand): 5'-AGCTGCAGAAAGTAGAACTGCTGCCATGGACCCCCTGTAGGCTGATGTCCGTGCAGTTGA[CCA>C]CAGAGTCACTGGAAGAGCCATGACAGGGCCCTGAGCTGGAGTCACTGGCTGGCCCATCTG-3'

ClinVar aggregate classification (germline): Conflicting classifications of pathogenicity. Review status: criteria provided, conflicting classifications (1 of 4 stars). 2 submissions from 2 submitters: Pathogenic (1); Uncertain significance (1). Last evaluated 2025-12-15.

Conditions:
Sessile serrated polyposis cancer syndrome (SSPCS). Identifiers: Orphanet 157798, MedGen C4310714, MONDO:0014919, OMIM 617108.

Submissions (2):

Myriad Genetics, Inc.
Classification: Pathogenic for Sessile serrated polyposis cancer syndrome. Last evaluated: 2025-12-15. Review status: criteria provided, single submitter. Criteria: Myriad Autosomal Dominant, Autosomal Recessive and X-Linked Classification Criteria (2023). Collection method: clinical testing. Allele origin: unknown.
Comment: This variant is considered pathogenic. This variant creates a frameshift predicted to result in premature protein truncation.

Ambry Genetics
Classification: Uncertain significance. Last evaluated: 2025-10-16. Review status: criteria provided, single submitter. Criteria: Ambry Variant Classification Scheme 2023. Collection method: clinical testing. Allele origin: germline.
Comment: The c.1436_1437delTG variant, located in coding exon 8 of the RNF43 gene, results from a deletion of two nucleotides at nucleotide positions 1436 to 1437, causing a translational frameshift with a predicted alternate stop codon (p.V479Gfs*25). The evidence for this gene-disease relationship is limited; therefore, the clinical significance of this alteration is unclear.